The following is an entry in ClinVar:

NM_005228.5(EGFR):c.2324G>A (p.Cys775Tyr)

Genes: EGFR (epidermal growth factor receptor; plus strand), EGFR-AS1 (EGFR antisense RNA 1; minus strand). Cytogenetic location: 7p11.2.
Variant type: single nucleotide variant.
Coding change: c.2324G>A on transcript NM_005228.5 (MANE Select); coding-DNA position 2324, G replaced by A.
Protein change: p.Cys775Tyr; replaces cysteine 775 with tyrosine.
Molecular consequence: missense variant. On other transcripts: non-coding transcript variant (1).
Genome position (GRCh38, 1-based): chr7:55,181,333, G>A. VCF-style: chr7-55181333-G-A. GRCh37 (hg19) VCF-style: chr7-55249026-G-A.
Other names: c.2189G>A, p.Cys730Tyr (NM_001346897.2, NM_001346899.2); c.2324G>A, p.Cys775Tyr (NM_001346898.2); c.2165G>A, p.Cys722Tyr (NM_001346900.2); c.1523G>A, p.Cys508Tyr (NM_001346941.2); c.2324G>A (NM_005228.3); short protein forms C775Y, C508Y, C730Y, C722Y.
Identifiers: ClinVar variation 1473616 (VCV001473616.7), dbSNP rs2128958527, ClinGen allele CA367578734.

ClinVar aggregate classification (germline): Uncertain significance. Review status: criteria provided, multiple submitters, no conflicts (2 of 4 stars). 2 submissions from 2 submitters: Uncertain significance (2). Last evaluated 2025-08-15.

Conditions:
Hereditary cancer-predisposing syndrome. Also called: Neoplastic Syndromes, Hereditary; Hereditary Cancer Syndrome; Tumor predisposition; Hereditary neoplastic syndrome. Identifiers: Orphanet 140162, MedGen C0027672, MeSH D009386, MONDO:0015356.
EGFR-related lung cancer (EGFR). Identifiers: MedGen CN130014.

Submissions (2):

Ambry Genetics
Classification: Uncertain significance for Hereditary cancer-predisposing syndrome. Last evaluated: 2025-08-15. Review status: criteria provided, single submitter. Criteria: Ambry Variant Classification Scheme 2023. Collection method: clinical testing. Allele origin: germline.
Comment: The p.C775Y variant (also known as c.2324G>A), located in coding exon 20 of the EGFR gene, results from a G to A substitution at nucleotide position 2324. The cysteine at codon 775 is replaced by tyrosine, an amino acid with highly dissimilar properties. This amino acid position is highly conserved in available vertebrate species. In addition, this alteration is predicted to be deleterious by in silico analysis. Based on the available evidence, the clinical significance of this variant remains unclear.

Labcorp Genetics (formerly Invitae), Labcorp
Classification: Uncertain significance for EGFR-related lung cancer. Last evaluated: 2021-08-30. Review status: criteria provided, single submitter. Criteria: Invitae Variant Classification Sherloc (09022015). Collection method: clinical testing. Allele origin: germline.
Comment: This variant is not present in population databases (ExAC no frequency). This sequence change replaces cysteine with tyrosine at codon 775 of the EGFR protein (p.Cys775Tyr). The cysteine residue is moderately conserved and there is a large physicochemical difference between cysteine and tyrosine. This variant has not been reported in the literature in individuals affected with EGFR-related conditions. In summary, the available evidence is currently insufficient to determine the role of this variant in disease. Therefore, it has been classified as a Variant of Uncertain Significance. Algorithms developed to predict the effect of missense changes on protein structure and function are either unavailable or do not agree on the potential impact of this missense change (SIFT: "Deleterious"; PolyPhen-2: "Probably Damaging"; Align-GVGD: "Class C0").